The following is an entry in ClinVar:

ClinVar aggregate classification (germline): Uncertain significance. Review status: criteria provided, single submitter (1 of 4 stars). 2 submissions from 2 submitters: Uncertain significance (1). 1 of the submissions does not count toward it. Last evaluated 2024-09-24.

Conditions:
Retinal dystrophy. Also called: Inherited retinal dystrophy. Identifiers: Orphanet 71862, MedGen C0854723, MeSH D058499, MONDO:0019118, HP:0000556.

Allele frequency attached by ClinVar (database versions not stated): TOPMed below 0.00001; ExAC 0.00001; gnomAD exomes 0.00002; gnomAD 0.00003 and 0.00004.

Submissions (2):

Labcorp Genetics (formerly Invitae), Labcorp
Classification: Uncertain significance. Last evaluated: 2024-09-24. Review status: criteria provided, single submitter. Criteria: Invitae Variant Classification Sherloc (09022015). Collection method: clinical testing. Allele origin: germline.
Comment: This sequence change replaces proline, which is neutral and non-polar, with serine, which is neutral and polar, at codon 616 of the EMC1 protein (p.Pro616Ser). The frequency data for this variant in the population databases is considered unreliable, as metrics indicate poor data quality at this position in the gnomAD database. This variant has not been reported in the literature in individuals affected with EMC1-related conditions. ClinVar contains an entry for this variant (Variation ID: 1397526). Invitae Evidence Modeling of protein sequence and biophysical properties (such as structural, functional, and spatial information, amino acid conservation, physicochemical variation, residue mobility, and thermodynamic stability) indicates that this missense variant is not expected to disrupt EMC1 protein function with a negative predictive value of 80%. In summary, the available evidence is currently insufficient to determine the role of this variant in disease. Therefore, it has been classified as a Variant of Uncertain Significance.

Institute of Human Genetics, Univ. Regensburg, Univ. Regensburg
Classification: Uncertain significance for Retinal dystrophy. Last evaluated: 2022-01-01. Review status: no assertion criteria provided. Criteria: ACMG Guidelines, 2015. Collection method: clinical testing. Allele origin: germline. Affected: yes. Not counted in ClinVar's aggregate classification.

NM_015047.3(EMC1):c.1846C>T (p.Pro616Ser)

Genes: EMC1-AS1 (EMC1 antisense RNA 1; plus strand), EMC1 (ER membrane protein complex subunit 1; minus strand). Cytogenetic location: 1p36.13.
Variant type: single nucleotide variant.
Coding change: c.1846C>T on transcript NM_015047.3 (MANE Select); coding-DNA position 1846, C replaced by T.
Protein change: p.Pro616Ser; replaces proline 616 with serine.
Molecular consequence: missense variant.
Genome position (GRCh38, 1-based): chr1:19,231,359, G>A on the plus strand (C>T on the coding strand, the complement: EMC1 is on the minus strand). VCF-style: chr1-19231359-G-A. GRCh37 (hg19) VCF-style: chr1-19557853-G-A.
Other names: c.1843C>T, p.Pro615Ser (NM_001271427.2, NM_001271428.2); c.1780C>T, p.Pro594Ser (NM_001271429.2); c.1855C>T, p.Pro619Ser (NM_001375820.1); c.1852C>T, p.Pro618Ser (NM_001375821.1); short protein forms P618S, P619S, P615S, P616S, P594S.
Identifiers: ClinVar variation 1397526 (VCV001397526.8), dbSNP rs750940846, ClinGen allele CA652484.
Genomic context (GRCh38, chr1:19,231,359, plus strand): 5'-AGTCTTGATCCATGACTGGGAGAAGCAAGGACTGCAAGATGGGGCGCTTCAGCACTGGGG[G>A]AGCTACCTGACTCCACTTCCCAAAAATGGGATTGAAGACATACAGAGAACTCATTCCCGA-3'
Protein context (NP_055862.1, residues 606-626): PIFGKWSQVA[Pro616Ser]PVLKRPILQS